The following is an entry in ClinVar:

NM_014874.4(MFN2):c.395G>A (p.Cys132Tyr)

Gene: MFN2 (mitofusin 2; plus strand). Cytogenetic location: 1p36.22.
Variant type: single nucleotide variant.
Coding change: c.395G>A on transcript NM_014874.4 (MANE Select); coding-DNA position 395, G replaced by A.
Protein change: p.Cys132Tyr; replaces cysteine 132 with tyrosine.
Molecular consequence: missense variant.
Genome position (GRCh38, 1-based): chr1:11,996,239, G>A. VCF-style: chr1-11996239-G-A. GRCh37 (hg19) VCF-style: chr1-12056296-G-A.
Other names: c.395G>A, p.Cys132Tyr (NM_001127660.2); short protein forms C132Y.
Identifiers: ClinVar variation 637314 (VCV000637314.6), dbSNP rs1569830013, ClinGen allele CA338434628.
Genomic context (GRCh38, chr1:11,996,239, plus strand): 5'-TGATCAATGCCATGCTCTGGGACAAAGTTCTGCCCTCTGGGATTGGCCACACCACCAATT[G>A]CTTCCTGCGGGTAGAGGGCACAGATGGCCATGAGGCCTTTCTCCTTACCGAGGGCTCAGA-3'
Protein context (NP_055689.1, residues 122-142): LPSGIGHTTN[Cys132Tyr]FLRVEGTDGH

ClinVar aggregate classification (germline): Likely pathogenic. Review status: criteria provided, single submitter (1 of 4 stars). 2 submissions from 2 submitters: Likely pathogenic (1). 1 of the submissions does not count toward it. Last evaluated 2021-12-10.

Conditions:
Charcot-Marie-Tooth disease. Also called: Charcot-Marie-Tooth Neuropathy; Charcot-Marie-Tooth Hereditary Neuropathy. Identifiers: Orphanet 166, MedGen C0007959, MONDO:0015626.
Charcot-Marie-Tooth disease type 2. Also called: Charcot-Marie-Tooth type 2. Identifiers: Orphanet 64746, MedGen C0270914, MONDO:0018993.

Allele frequency attached by ClinVar (database versions not stated): gnomAD 0.00001.
gnomAD v4.1: 1 of 1,614,130 alleles (0.000062%); highest among the groups gnomAD compares: Admixed American, 0.0017%; no homozygotes.

Submissions (2):

Labcorp Genetics (formerly Invitae), Labcorp
Classification: Likely pathogenic for Charcot-Marie-Tooth disease type 2. Last evaluated: 2021-12-10. Review status: criteria provided, single submitter. Criteria: Invitae Variant Classification Sherloc (09022015). Collection method: clinical testing. Allele origin: germline.
Comment: This variant is not present in population databases (gnomAD no frequency). This sequence change replaces cysteine, which is neutral and slightly polar, with tyrosine, which is neutral and polar, at codon 132 of the MFN2 protein (p.Cys132Tyr). This missense change has been observed in individuals with clinical features of MFN2-related disease (PMID: 26801520; Invitae). In summary, the currently available evidence indicates that the variant is pathogenic, but additional data are needed to prove that conclusively. Therefore, this variant has been classified as Likely Pathogenic. Advanced modeling of protein sequence and biophysical properties (such as structural, functional, and spatial information, amino acid conservation, physicochemical variation, residue mobility, and thermodynamic stability) performed at Invitae indicates that this missense variant is expected to disrupt MFN2 protein function. ClinVar contains an entry for this variant (Variation ID: 637314).

Inherited Neuropathy Consortium
Classification: Uncertain significance for Charcot-Marie-Tooth disease. Review status: no assertion criteria provided. Collection method: literature only. Allele origin: germline. Affected: yes. Not counted in ClinVar's aggregate classification.

Literature cited by the submitters: PubMed 26801520 (cited by Labcorp Genetics (formerly Invitae), Labcorp); PubMed 20193559 (cited by Inherited Neuropathy Consortium).